The following is an entry in ClinVar:

ClinVar aggregate classification (germline): Likely benign. Review status: criteria provided, multiple submitters, no conflicts (2 of 4 stars). 5 submissions from 5 submitters: Likely benign (5). Last evaluated 2026-05-28.

Conditions:
TTN-related disorder. Also called: TTN-related condition; TTN-related disease; TTN-related disorders.
Cardiovascular phenotype. Identifiers: MedGen CN230736.
Autosomal recessive limb-girdle muscular dystrophy type 2J (LGMDR10). Also called: Limb-girdle muscular dystrophy, type 2J; MUSCULAR DYSTROPHY, LIMB-GIRDLE, AUTOSOMAL RECESSIVE 10. Identifiers: Orphanet 140922, MedGen C1837342, MONDO:0012127, OMIM 608807.
Dilated cardiomyopathy 1G (CMD1G). Identifiers: Orphanet 154, MedGen C1858763, MONDO:0011400, OMIM 604145.

Allele frequency attached by ClinVar (database versions not stated): gnomAD 0.00001; gnomAD exomes 0.00002; TOPMed 0.00002; ExAC 0.00004.
gnomAD v4.1: 29 of 1,613,520 alleles (0.0018%); highest among the groups gnomAD compares: Middle Eastern, 0.033%; no homozygotes.

Submissions (5):

PreventionGenetics, part of Exact Sciences
Classification: Likely benign for TTN-related condition. Last evaluated: 2026-05-28. Review status: criteria provided, single submitter. Criteria: ACMG Guidelines, 2015. Collection method: clinical testing. Allele origin: germline.
Comment: This variant is classified as likely benign based on ACMG/AMP sequence variant interpretation guidelines (Richards et al. 2015 PMID: 25741868, with internal and published modifications).

Labcorp Genetics (formerly Invitae), Labcorp
Classification: Likely benign for Dilated cardiomyopathy 1G; Autosomal recessive limb-girdle muscular dystrophy type 2J. Last evaluated: 2025-12-20. Review status: criteria provided, single submitter. Criteria: Invitae Variant Classification Sherloc (09022015). Collection method: clinical testing. Allele origin: germline.

Mayo Clinic Laboratories, Mayo Clinic
Classification: Likely benign. Last evaluated: 2025-08-29. Review status: criteria provided, single submitter. Criteria: ACMG Guidelines, 2015. Collection method: clinical testing. Allele origin: germline. Observed: 2 variant alleles.
Comment: BP4, BP7

Ambry Genetics
Classification: Likely benign for Cardiovascular phenotype. Last evaluated: 2023-11-23. Review status: criteria provided, single submitter. Criteria: Ambry Variant Classification Scheme 2023. Collection method: clinical testing. Allele origin: germline.

GeneDx
Classification: Likely benign. Last evaluated: 2017-11-14. Review status: criteria provided, single submitter. Criteria: GeneDx Variant Classification (06012015). Collection method: clinical testing. Allele origin: germline. Affected: yes.
Comment: This variant is considered likely benign or benign based on one or more of the following criteria: it is a conservative change, it occurs at a poorly conserved position in the protein, it is predicted to be benign by multiple in silico algorithms, and/or has population frequency not consistent with disease.

NM_001267550.2(TTN):c.80334T>C (p.Ala26778=)

Genes: TTN (titin; minus strand), TTN-AS1 (TTN antisense RNA 1; plus strand). Cytogenetic location: 2q31.2.
Variant type: single nucleotide variant.
Coding change: c.80334T>C on transcript NM_001267550.2 (MANE Select); coding-DNA position 80334, T replaced by C.
Protein change: p.Ala26778=; no amino-acid change (alanine 26778 retained).
Molecular consequence: synonymous variant.
Genome position (GRCh38, 1-based): chr2:178,565,798, A>G on the plus strand (T>C on the coding strand, the complement: TTN is on the minus strand). VCF-style: chr2-178565798-A-G. GRCh37 (hg19) VCF-style: chr2-179430525-A-G.
Other names: p.Ala25137=; c.75411T>C, p.Ala25137= (NM_001256850.1); c.53139T>C, p.Ala17713= (NM_003319.4); c.72630T>C, p.Ala24210= (NM_133378.4); c.53514T>C, p.Ala17838= (NM_133432.3); c.53715T>C, p.Ala17905= (NM_133437.4).
Identifiers: ClinVar variation 516277 (VCV000516277.12), dbSNP rs768739882, ClinGen allele CA1989365.